The following is an entry in ClinVar:

NM_000551.4(VHL):c.304_305dup (p.Pro103fs)

Gene: VHL (von Hippel-Lindau tumor suppressor; plus strand). Cytogenetic location: 3p25.3.
Variant type: Duplication.
Coding change: c.304_305dup on transcript NM_000551.4 (MANE Select); coding-DNA positions 304 to 305, 2 bases duplicated (CC; older notation c.304_305dupCC).
Protein change: p.Pro103fs; shifts the reading frame from proline 103.
Molecular consequence: frameshift variant.
Genome position (GRCh38, 1-based): chr3:10,142,151-10,142,152, CC duplicated. VCF-style (leftmost placement, unchanged base first): chr3-10142150-G-GCC. GRCh37 (hg19) VCF-style: chr3-10183834-G-GCC.
Other names: c.304_305dupCC (NM_000551.3); c.304_305dup, p.Pro103fs (NM_001354723.2, NM_198156.3); short protein forms P103fs.
Identifiers: ClinVar variation 625236 (VCV000625236.2), dbSNP rs1559426145, ClinGen allele CA913189505.

ClinVar aggregate classification (germline): Pathogenic. Review status: criteria provided, multiple submitters, no conflicts (2 of 4 stars). 2 submissions from 2 submitters: Pathogenic (2). Last evaluated 2024-05-01.

Conditions:
Hereditary cancer-predisposing syndrome. Also called: Tumor predisposition; Neoplastic Syndromes, Hereditary; Hereditary Cancer Syndrome; Hereditary neoplastic syndrome. Identifiers: Orphanet 140162, MedGen C0027672, MeSH D009386, MONDO:0015356.
Von Hippel-Lindau syndrome (VHLS). Also called: von Hippel–Lindau syndrome; Von Hippel-Lindau; VHL syndrome. Identifiers: Orphanet 892, MedGen C0019562, MONDO:0008667, OMIM 193300. Disease mechanism: loss of function.

Submissions (2):

Ambry Genetics
Classification: Pathogenic for Hereditary cancer-predisposing syndrome. Last evaluated: 2024-05-01. Review status: criteria provided, single submitter. Criteria: Ambry Variant Classification Scheme 2023. Collection method: clinical testing. Allele origin: germline.
Comment: The c.304_305dupCC pathogenic mutation, located in coding exon 1 of the VHL gene, results from a duplication of CC at nucleotide position 304, causing a translational frameshift with a predicted alternate stop codon (p.P103Rfs*57). This alteration occurs at the 3' terminus of theVHL gene, is not expected to trigger nonsense-mediated mRNA decay, and only impacts the last 111 amino acids of the protein. However, premature stop codons are typically deleterious in nature and the impacted region is critical for protein function (Ambry internal data). This variant is considered to be rare based on population cohorts in the Genome Aggregation Database (gnomAD). Based on the supporting evidence, this variant is interpreted as a disease-causing mutation.

Genomic Diagnostic Laboratory, Division of Genomic Diagnostics, Children's Hospital of Philadelphia
Classification: Pathogenic for von Hippel-Lindau syndrome. Last evaluated: 2018-08-01. Review status: criteria provided, single submitter. Criteria: DGD Variant Analysis Guidelines. Collection method: clinical testing. Allele origin: germline. Affected: yes. Observed: 1 variant allele.